The following is an entry in ClinVar:

NM_000548.5(TSC2):c.2682C>T (p.Ala894=)

Gene: TSC2 (TSC complex subunit 2; plus strand). Cytogenetic location: 16p13.3.
Variant type: single nucleotide variant.
Coding change: c.2682C>T on transcript NM_000548.5 (MANE Select); coding-DNA position 2682, C replaced by T.
Protein change: p.Ala894=; no amino-acid change (alanine 894 retained).
Molecular consequence: synonymous variant.
Genome position (GRCh38, 1-based): chr16:2,076,110, C>T. VCF-style: chr16-2076110-C-T. GRCh37 (hg19) VCF-style: chr16-2126111-C-T.
Other names: c.2682C>T, p.Ala894= (NM_001077183.3, NM_001114382.3, NM_001363528.2 and 3 more transcripts); c.2571C>T, p.Ala857= (NM_001318827.2); c.2535C>T, p.Ala845= (NM_001318829.2); c.2082C>T, p.Ala694= (NM_001318831.2); c.2715C>T, p.Ala905= (NM_001318832.2).
Identifiers: ClinVar variation 753460 (VCV000753460.11), dbSNP rs45517253, ClinGen allele CA492953659.

ClinVar aggregate classification (germline): Benign/Likely benign. Review status: criteria provided, multiple submitters, no conflicts (2 of 4 stars). 3 submissions from 3 submitters: Benign (1); Likely benign (2). Last evaluated 2025-05-21.

Conditions:
Hereditary cancer-predisposing syndrome. Also called: Tumor predisposition; Hereditary Cancer Syndrome; Neoplastic Syndromes, Hereditary; Hereditary neoplastic syndrome. Identifiers: Orphanet 140162, MedGen C0027672, MeSH D009386, MONDO:0015356.
Tuberous sclerosis 2 (TSC2). Identifiers: Orphanet 805, MedGen C1860707, MONDO:0013199, OMIM 613254.

Allele frequency attached by ClinVar (database versions not stated): TOPMed below 0.00001.

Submissions (3):

Myriad Genetics, Inc.
Classification: Benign for Tuberous sclerosis 2. Last evaluated: 2025-05-21. Review status: criteria provided, single submitter. Criteria: Myriad Autosomal Dominant, Autosomal Recessive and X-Linked Classification Criteria (2023). Collection method: clinical testing. Allele origin: unknown.
Comment: This variant is considered benign. This variant is a silent/synonymous amino acid change and it is not expected to impact splicing.

Ambry Genetics
Classification: Likely benign for Hereditary cancer-predisposing syndrome. Last evaluated: 2023-12-18. Review status: criteria provided, single submitter. Criteria: Ambry Variant Classification Scheme 2023. Collection method: clinical testing. Allele origin: germline.

Labcorp Genetics (formerly Invitae), Labcorp
Classification: Likely benign for Tuberous sclerosis 2. Last evaluated: 2022-12-11. Review status: criteria provided, single submitter. Criteria: Invitae Variant Classification Sherloc (09022015). Collection method: clinical testing. Allele origin: germline.